The following is an entry in ClinVar:

ClinVar aggregate classification (germline): Uncertain significance. Review status: criteria provided, multiple submitters, no conflicts (2 of 4 stars). 2 submissions from 2 submitters: Uncertain significance (2). Last evaluated 2024-06-03.

gnomAD v4.1: 1 of 1,614,100 alleles (0.000062%); highest among the groups gnomAD compares: Non-Finnish European, 0.000085%; no homozygotes.

Submissions (2):

Labcorp Genetics (formerly Invitae), Labcorp
Classification: Uncertain significance. Last evaluated: 2024-06-03. Review status: criteria provided, single submitter. Criteria: Invitae Variant Classification Sherloc (09022015). Collection method: clinical testing. Allele origin: germline.
Comment: This sequence change replaces serine, which is neutral and polar, with asparagine, which is neutral and polar, at codon 1680 of the ALPK3 protein (p.Ser1680Asn). This variant is not present in population databases (gnomAD no frequency). This variant has not been reported in the literature in individuals affected with ALPK3-related conditions. An algorithm developed to predict the effect of missense changes on protein structure and function (PolyPhen-2) suggests that this variant is likely to be disruptive. In summary, the available evidence is currently insufficient to determine the role of this variant in disease. Therefore, it has been classified as a Variant of Uncertain Significance.

Blueprint Genetics
Classification: Uncertain significance. Last evaluated: 2023-12-21. Review status: criteria provided, single submitter. Criteria: ACMG Guidelines, 2015. Collection method: clinical testing. Allele origin: germline.

NM_020778.5(ALPK3):c.4433G>A (p.Ser1478Asn)

Gene: ALPK3 (alpha kinase 3; plus strand). Cytogenetic location: 15q25.3.
Variant type: single nucleotide variant.
Coding change: c.4433G>A on transcript NM_020778.5 (MANE Select); coding-DNA position 4433, G replaced by A.
Protein change: p.Ser1478Asn; replaces serine 1478 with asparagine.
Molecular consequence: missense variant.
Genome position (GRCh38, 1-based): chr15:84,863,574, G>A. VCF-style: chr15-84863574-G-A. GRCh37 (hg19) VCF-style: chr15-85406805-G-A.
Other names: short protein forms S1478N.
Identifiers: ClinVar variation 3615131 (VCV003615131.3).